The following is an entry in ClinVar:

ClinVar aggregate classification (germline): Uncertain significance (1 of 4 stars; one submission).

Conditions:
Hereditary cancer-predisposing syndrome. Also called: Hereditary Cancer Syndrome; Neoplastic Syndromes, Hereditary; Hereditary neoplastic syndrome; Tumor predisposition. Identifiers: Orphanet 140162, MedGen C0027672, MeSH D009386, MONDO:0015356.

Submission:

Ambry Genetics
Classification: Uncertain significance for Hereditary cancer-predisposing syndrome. Last evaluated: 2026-03-23. Review status: criteria provided, single submitter. Criteria: Ambry Variant Classification Scheme 2023. Collection method: clinical testing. Allele origin: germline.
Comment: The p.L1051R variant (also known as c.3152T>G), located in coding exon 27 of the TSC2 gene, results from a T to G substitution at nucleotide position 3152. The leucine at codon 1051 is replaced by arginine, an amino acid with dissimilar properties. This amino acid position is conserved. In addition, this alteration is predicted to be deleterious by in silico analysis. Since supporting evidence is limited at this time, the clinical significance of this alteration remains unclear.

NM_000548.5(TSC2):c.3152T>G (p.Leu1051Arg)

Gene: TSC2 (TSC complex subunit 2; plus strand). Cytogenetic location: 16p13.3.
Variant type: single nucleotide variant.
Coding change: c.3152T>G on transcript NM_000548.5 (MANE Select); coding-DNA position 3152, T replaced by G.
Protein change: p.Leu1051Arg; replaces leucine 1051 with arginine.
Molecular consequence: missense variant.
Genome position (GRCh38, 1-based): chr16:2,079,296, T>G. VCF-style: chr16-2079296-T-G. GRCh37 (hg19) VCF-style: chr16-2129297-T-G.
Other names: c.3020T>G, p.Leu1007Arg (NM_001077183.3, NM_001370404.1, NM_001406665.1); c.3152T>G, p.Leu1051Arg (NM_001114382.3); c.2912T>G, p.Leu971Arg (NM_001318827.2); c.2876T>G, p.Leu959Arg (NM_001318829.2); c.3041T>G, p.Leu1014Arg (NM_001406670.1); c.3011T>G, p.Leu1004Arg (NM_001406671.1); c.3008T>G, p.Leu1003Arg (NM_001406673.1); c.3005T>G, p.Leu1002Arg (NM_001406675.1); and 18 more; short protein forms L1007R, L1014R, L1037R, L473R, L603R, L850R, L854R, L971R.
Identifiers: ClinVar variation 1728211 (VCV001728211.3), dbSNP rs2151437364, ClinGen allele CA394285304.
Genomic context (GRCh38, chr16:2,079,296, plus strand): 5'-CTCCACGGGCAAGCTGGGTTTCACGCTCCCTGTCTTCTAGGTCTCCTGTGGGCGAGTTCC[T>G]CCTAGCGGGTGGCAGGACCAAAACCTGGCTGGTTGGGAACAAGCTTGTCACTGTGACGAC-3'
Protein context (NP_000539.2, residues 1041-1061): VPKRSPVGEF[Leu1051Arg]LAGGRTKTWL